The following is an entry in ClinVar:

NM_004329.3(BMPR1A):c.119A>G (p.Asp40Gly)

Gene: BMPR1A (bone morphogenetic protein receptor type 1A; plus strand). Cytogenetic location: 10q23.2.
Variant type: single nucleotide variant.
Coding change: c.119A>G on transcript NM_004329.3 (MANE Select); coding-DNA position 119, A replaced by G.
Protein change: p.Asp40Gly; replaces aspartic acid 40 with glycine.
Molecular consequence: missense variant.
Genome position (GRCh38, 1-based): chr10:86,890,113, A>G. VCF-style: chr10-86890113-A-G. GRCh37 (hg19) VCF-style: chr10-88649870-A-G.
Other names: short protein forms D40G.
Identifiers: ClinVar variation 529912 (VCV000529912.14), dbSNP rs1060503403, ClinGen allele CA377446498.

ClinVar aggregate classification (germline): Uncertain significance. Review status: criteria provided, multiple submitters, no conflicts (2 of 4 stars). 3 submissions from 3 submitters: Uncertain significance (3). Last evaluated 2025-09-08.

Conditions:
Hereditary cancer-predisposing syndrome. Also called: Neoplastic Syndromes, Hereditary; Hereditary neoplastic syndrome; Tumor predisposition; Hereditary Cancer Syndrome. Identifiers: Orphanet 140162, MedGen C0027672, MeSH D009386, MONDO:0015356.
Juvenile polyposis syndrome (JPS). Identifiers: Orphanet 2929, MedGen C0345893, MONDO:0017380, OMIM 174900.

Allele frequency attached by ClinVar (database versions not stated): gnomAD exomes below 0.00001.
gnomAD v4.1: 2 of 1,613,998 alleles (0.00012%); highest among the groups gnomAD compares: Non-Finnish European, 0.00017%; no homozygotes.

Submissions (3):

Labcorp Genetics (formerly Invitae), Labcorp
Classification: Uncertain significance for Juvenile polyposis syndrome. Last evaluated: 2025-09-08. Review status: criteria provided, single submitter. Criteria: Invitae Variant Classification Sherloc (09022015). Collection method: clinical testing. Allele origin: germline.
Comment: This sequence change replaces aspartic acid, which is acidic and polar, with glycine, which is neutral and non-polar, at codon 40 of the BMPR1A protein (p.Asp40Gly). This variant is not present in population databases (gnomAD no frequency). This variant has not been reported in the literature in individuals affected with BMPR1A-related conditions. ClinVar contains an entry for this variant (Variation ID: 529912). Invitae Evidence Modeling of protein sequence and biophysical properties (such as structural, functional, and spatial information, amino acid conservation, physicochemical variation, residue mobility, and thermodynamic stability) indicates that this missense variant is not expected to disrupt BMPR1A protein function with a negative predictive value of 95%. In summary, the available evidence is currently insufficient to determine the role of this variant in disease. Therefore, it has been classified as a Variant of Uncertain Significance.

Ambry Genetics
Classification: Uncertain significance for Hereditary cancer-predisposing syndrome. Last evaluated: 2024-12-26. Review status: criteria provided, single submitter. Criteria: Ambry Variant Classification Scheme 2023. Collection method: clinical testing. Allele origin: germline.
Comment: The p.D40G variant (also known as c.119A>G), located in coding exon 2 of the BMPR1A gene, results from an A to G substitution at nucleotide position 119. The aspartic acid at codon 40 is replaced by glycine, an amino acid with similar properties. This amino acid position is not well conserved in available vertebrate species. In addition, this alteration is predicted to be tolerated by in silico analysis. Since supporting evidence is limited at this time, the clinical significance of this alteration remains unclear.

All of Us Research Program, National Institutes of Health
Classification: Uncertain significance for Juvenile polyposis syndrome. Last evaluated: 2023-12-13. Review status: criteria provided, single submitter. Criteria: ACMG Guidelines, 2015. Collection method: clinical testing. Allele origin: germline. Inheritance: Autosomal dominant inheritance. Observed: 1 variant allele, 1 heterozygote.
Comment: This missense variant replaces aspartic acid with glycine at codon 40 of the BMPR1A protein. Computational prediction suggests that this variant may not impact protein structure and function (internally defined REVEL score threshold <= 0.5, PMID: 27666373). To our knowledge, functional studies have not been reported for this variant. This variant has not been reported in individuals affected with BMPR1A-related disorders in the literature. This variant has not been identified in the general population by the Genome Aggregation Database (gnomAD). The available evidence is insufficient to determine the role of this variant in disease conclusively. Therefore, this variant is classified as a Variant of Uncertain Significance.

This study involves interpretation of variants in research participants for the purpose of population health screening. Participant phenotype was not available at the time of variant classification. Additional details can be found in publication PMID: 35346344, PMCID: PMC8962531